The following is an entry in ClinVar:

ClinVar aggregate classification (germline): Pathogenic (1 of 4 stars; one submission).

Conditions:
Hereditary cancer-predisposing syndrome. Also called: Neoplastic Syndromes, Hereditary; Tumor predisposition; Hereditary Cancer Syndrome; Hereditary neoplastic syndrome. Identifiers: Orphanet 140162, MedGen C0027672, MeSH D009386, MONDO:0015356.

Submission:

Ambry Genetics
Classification: Pathogenic for Hereditary cancer-predisposing syndrome. Last evaluated: 2019-08-06. Review status: criteria provided, single submitter. Criteria: Ambry Variant Classification Scheme 2023. Collection method: clinical testing. Allele origin: germline.
Comment: The p.K386* pathogenic mutation (also known as c.1156A>T), located in coding exon 11 of the PMS2 gene, results from an A to T substitution at nucleotide position 1156. This changes the amino acid from a lysine to a stop codon within coding exon 11. This alteration is expected to result in loss of function by premature protein truncation or nonsense-mediated mRNA decay. As such, this alteration is interpreted as a disease-causing mutation.

NM_000535.7(PMS2):c.1156A>T (p.Lys386Ter)

Gene: PMS2 (PMS1 homolog 2, mismatch repair system component; minus strand). Cytogenetic location: 7p22.1.
Variant type: single nucleotide variant.
Coding change: c.1156A>T on transcript NM_000535.7 (MANE Select); coding-DNA position 1156, A replaced by T.
Protein change: p.Lys386Ter; replaces lysine 386 with a stop codon.
Molecular consequence: nonsense. On other transcripts: non-coding transcript variant (1).
Genome position (GRCh38, 1-based): chr7:5,987,609, T>A on the plus strand (A>T on the coding strand, the complement: PMS2 is on the minus strand). VCF-style: chr7-5987609-T-A. GRCh37 (hg19) VCF-style: chr7-6027240-T-A.
Other names: c.751A>T, p.Lys251Ter (NM_001406908.1, NM_001406910.1, NM_001018040.1 and 17 more transcripts); c.583A>T, p.Lys195Ter (NM_001406909.1, NM_001322013.2); c.385A>T, p.Lys129Ter (NM_001406911.1); c.1000A>T, p.Lys334Ter (NM_001322006.2, NM_001406870.1); c.838A>T, p.Lys280Ter (NM_001322007.2, NM_001322008.2, NM_001406876.1 and 2 more transcripts); c.595A>T, p.Lys199Ter (NM_001322010.2, NM_001406906.1, NM_001406907.1); c.223A>T, p.Lys75Ter (NM_001322011.2, NM_001322012.2); c.958A>T, p.Lys320Ter (NM_001406873.1); and 12 more; short protein forms K394*, K195*, K228*, K231*, K330*, K334*, K129*, K199*.
Identifiers: ClinVar variation 1735397 (VCV001735397.2), dbSNP rs2128737215, ClinGen allele CA366742680.